The following is an entry in ClinVar:

ClinVar aggregate classification (germline): Uncertain significance (1 of 4 stars; one submission).

Conditions:
Hereditary cancer-predisposing syndrome. Also called: Hereditary neoplastic syndrome; Hereditary Cancer Syndrome; Neoplastic Syndromes, Hereditary; Tumor predisposition. Identifiers: Orphanet 140162, MedGen C0027672, MeSH D009386, MONDO:0015356.

Submission:

Color Diagnostics, LLC DBA Color Health
Classification: Uncertain significance for Hereditary cancer-predisposing syndrome. Last evaluated: 2021-10-05. Review status: criteria provided, single submitter. Criteria: ACMG Guidelines, 2015. Collection method: clinical testing. Allele origin: germline.
Comment: This missense variant replaces leucine with phenylalanine at codon 35 of the PALB2 protein. Computational prediction suggests that this variant may not impact protein structure and function (internally defined REVEL score threshold <= 0.5, PMID: 27666373). To our knowledge, functional studies have not been reported for this variant. This variant has been reported in an individual affected with familial breast cancer (PMID: 28825143). This variant has not been identified in the general population by the Genome Aggregation Database (gnomAD). The available evidence is insufficient to determine the role of this variant in disease conclusively. Therefore, this variant is classified as a Variant of Uncertain Significance.

Literature cited by the submitters: PubMed 28825143.

NM_024675.4(PALB2):c.103C>T (p.Leu35Phe)

Gene: PALB2 (partner and localizer of BRCA2; minus strand). Cytogenetic location: 16p12.2.
Variant type: single nucleotide variant.
Coding change: c.103C>T on transcript NM_024675.4 (MANE Select); coding-DNA position 103, C replaced by T.
Protein change: p.Leu35Phe; replaces leucine 35 with phenylalanine.
Molecular consequence: missense variant. On other transcripts: 5 prime UTR variant (8), intron variant (4).
Genome position (GRCh38, 1-based): chr16:23,638,075, G>A on the plus strand (C>T on the coding strand, the complement: PALB2 is on the minus strand). VCF-style: chr16-23638075-G-A. GRCh37 (hg19) VCF-style: chr16-23649396-G-A.
Other names: c.103C>T, p.Leu35Phe (NM_001407297.1, NM_001407298.1, NM_001407299.1 and 3 more transcripts); c.-783C>T (NM_001407304.1, NM_001407305.1, NM_001407306.1 and 5 more transcripts); c.48+3035C>T (NM_001407314.1); c.-105+3035C>T (NM_001407313.1, NM_001407312.1); c.49-123C>T (NM_001407296.1); short protein forms L35F.
Identifiers: ClinVar variation 2774026 (VCV002774026.2), dbSNP rs2142459867, ClinGen allele CA395139614.